The following is an entry in ClinVar:

ClinVar aggregate classification (germline): Uncertain significance (1 of 4 stars; one submission).

Conditions:
Progressive sclerosing poliodystrophy (MTDPS4A). Also called: Mitochondrial DNA depletion syndrome 4A (Alpers type); ALPERS PROGRESSIVE INFANTILE POLIODYSTROPHY; NEURONAL DEGENERATION OF CHILDHOOD WITH LIVER DISEASE, PROGRESSIVE; Alpers Syndrome; ALPERS DIFFUSE DEGENERATION OF CEREBRAL GRAY MATTER WITH HEPATIC CIRRHOSIS; Alpers-Huttenlocher Syndrome. Identifiers: Orphanet 726, MedGen C0205710, MONDO:0008758, OMIM 203700.

Submission:

Labcorp Genetics (formerly Invitae), Labcorp
Classification: Uncertain significance for Progressive sclerosing poliodystrophy. Last evaluated: 2025-11-28. Review status: criteria provided, single submitter. Criteria: Invitae Variant Classification Sherloc (09022015). Collection method: clinical testing. Allele origin: germline.
Comment: This sequence change falls in intron 22 of the POLG gene. It does not directly change the encoded amino acid sequence of the POLG protein. This variant is not present in population databases (gnomAD no frequency). This variant has not been reported in the literature in individuals affected with POLG-related conditions. Algorithms developed to predict the effect of sequence changes on RNA splicing suggest that this variant may disrupt the consensus splice site. In summary, the available evidence is currently insufficient to determine the role of this variant in disease. Therefore, it has been classified as a Variant of Uncertain Significance.

NM_002693.3(POLG):c.3644-10del

Genes: FANCI (FA complementation group I; plus strand), POLG (DNA polymerase gamma, catalytic subunit; minus strand). Cytogenetic location: 15q26.1.
Variant type: Deletion.
Coding change: c.3644-10del on transcript NM_002693.3 (MANE Select); 10 bases into the intron before coding-DNA position 3644, one base deleted (T; older notation c.3644-10delT).
Molecular consequence: intron variant. On other transcripts: 3 prime UTR variant (4).
Genome position (GRCh38, 1-based): chr15:89,316,837, A deleted on the plus strand (T on the coding strand, the reverse complement: POLG is on the minus strand). VCF-style (leftmost placement, unchanged base first): chr15-89316836-TA-T. GRCh37 (hg19) VCF-style: chr15-89860067-TA-T.
Other names: c.*378del (NM_001113378.2, NM_001376910.1, NM_001376911.1 and 1 more transcripts); c.3644-10del (NM_001126131.2).
Identifiers: ClinVar variation 4732173 (VCV004732173.1).
Genomic context (GRCh38, chr15:89,316,836, plus strand): 5'-TCCAAGGAGCCTTTGGTGAGTTCAATTATCTGGTAAATATCCAGCGCTTCACCTGAAAGA[TA>T]GTGCAAATTGGTTAGGATGCCACCTCAAGAACTGTAACTGAGAGCTCAGAAGTGAGCAAA-3'